The following is an entry in ClinVar:

ClinVar aggregate classification (germline): Likely benign. Review status: criteria provided, multiple submitters, no conflicts (2 of 4 stars). 3 submissions from 3 submitters: Likely benign (2). 1 of the submissions does not count toward it. Last evaluated 2025-11-04.

Conditions:
NSD2-related disorder. Also called: NSD2 related disorders; NSD2-related condition.

Allele frequency attached by ClinVar (database versions not stated): TOPMed 0.00003; gnomAD 0.00008 and 0.00009; gnomAD exomes 0.00009; ExAC 0.00010.
gnomAD v4.1: 188 of 1,614,098 alleles (0.012%); highest among the groups gnomAD compares: Non-Finnish European, 0.014%; no homozygotes.

Submissions (3):

Labcorp Genetics (formerly Invitae), Labcorp
Classification: Likely benign. Last evaluated: 2025-11-04. Review status: criteria provided, single submitter. Criteria: Invitae Variant Classification Sherloc (09022015). Collection method: clinical testing. Allele origin: germline.

Breakthrough Genomics
Classification: Likely benign. Review status: criteria provided, single submitter. Criteria: ACMG Guidelines, 2015. Collection method: not provided. Allele origin: germline. Inheritance: Autosomal dominant inheritance. Affected: yes.

PreventionGenetics, part of Exact Sciences
Classification: Likely benign for NSD2-related condition. Last evaluated: 2019-06-27. Review status: no assertion criteria provided. Collection method: clinical testing. Allele origin: germline. Not counted in ClinVar's aggregate classification.
Comment: This variant is classified as likely benign based on ACMG/AMP sequence variant interpretation guidelines (Richards et al. 2015 PMID: 25741868, with internal and published modifications).

NM_001042424.3(NSD2):c.393A>G (p.Thr131=)

Gene: NSD2 (nuclear receptor binding SET domain protein 2; plus strand). Cytogenetic location: 4p16.3.
Variant type: single nucleotide variant.
Coding change: c.393A>G on transcript NM_001042424.3 (MANE Select); coding-DNA position 393, A replaced by G.
Protein change: p.Thr131=; no amino-acid change (threonine 131 retained).
Molecular consequence: synonymous variant.
Genome position (GRCh38, 1-based): chr4:1,901,047, A>G. VCF-style: chr4-1901047-A-G. GRCh37 (hg19) VCF-style: chr4-1902774-A-G.
Other names: c.393A>G, p.Thr131= (NM_007331.2, NM_133330.3, NM_133331.3 and 2 more transcripts).
Identifiers: ClinVar variation 795947 (VCV000795947.9), dbSNP rs757426831, ClinGen allele CA2811869.